The following is an entry in ClinVar:

NM_181523.3(PIK3R1):c.855C>G (p.Asn285Lys)

Gene: PIK3R1 (phosphoinositide-3-kinase regulatory subunit 1; plus strand). Cytogenetic location: 5q13.1.
Variant type: single nucleotide variant.
Coding change: c.855C>G on transcript NM_181523.3 (MANE Select); coding-DNA position 855, C replaced by G.
Protein change: p.Asn285Lys; replaces asparagine 285 with lysine.
Molecular consequence: missense variant.
Genome position (GRCh38, 1-based): chr5:68,280,945, C>G. VCF-style: chr5-68280945-C-G. GRCh37 (hg19) VCF-style: chr5-67576773-C-G.
Other names: short protein forms N285K.
Identifiers: ClinVar variation 2949751 (VCV002949751.3), dbSNP rs2530953795, ClinGen allele CA359875820.

ClinVar aggregate classification (germline): Uncertain significance (1 of 4 stars; one submission).

Conditions:
SHORT syndrome. Also called: LIPODYSTROPHY, PARTIAL, WITH RIEGER ANOMALY AND SHORT STATURE; PIK3R1-Related SHORT Syndrome; SHORT STATURE, HYPEREXTENSIBILITY, HERNIA, OCULAR DEPRESSION, RIEGER ANOMALY, AND TEETHING DELAY. Identifiers: Orphanet 3163, MedGen C0878684, MONDO:0010026, OMIM 269880.
Agammaglobulinemia 7, autosomal recessive (AGM7). Also called: AGAMMAGLOBULINEMIA, AUTOSOMAL RECESSIVE, DUE TO PIK3R1 DEFECT. Identifiers: MedGen C3554689, MONDO:0014083, OMIM 615214.
Immunodeficiency 36 with lymphoproliferation. Also called: Immunodeficiency 36; ACTIVATED PI3K-DELTA SYNDROME 2; Activated PI3K Delta Syndrome Type 2 (APDS2). Identifiers: Orphanet 397596, Orphanet 693681, MedGen C4014934, MONDO:0014453, OMIM 616005.

Submission:

Labcorp Genetics (formerly Invitae), Labcorp
Classification: Uncertain significance for SHORT syndrome; Immunodeficiency 36 with lymphoproliferation; Agammaglobulinemia 7, autosomal recessive. Last evaluated: 2023-07-10. Review status: criteria provided, single submitter. Criteria: Invitae Variant Classification Sherloc (09022015). Collection method: clinical testing. Allele origin: germline.
Comment: This sequence change replaces asparagine, which is neutral and polar, with lysine, which is basic and polar, at codon 285 of the PIK3R1 protein (p.Asn285Lys). This variant is not present in population databases (gnomAD no frequency). In summary, the available evidence is currently insufficient to determine the role of this variant in disease. Therefore, it has been classified as a Variant of Uncertain Significance. An algorithm developed to predict the effect of missense changes on protein structure and function (PolyPhen-2) suggests that this variant is likely to be tolerated. This variant has not been reported in the literature in individuals affected with PIK3R1-related conditions.